The following is an entry in ClinVar:

NM_001220.5(CAMK2B):c.260A>G (p.Tyr87Cys)

Gene: CAMK2B (calcium/calmodulin dependent protein kinase II beta; minus strand). Cytogenetic location: 7p13.
Variant type: single nucleotide variant.
Coding change: c.260A>G on transcript NM_001220.5 (MANE Select); coding-DNA position 260, A replaced by G.
Protein change: p.Tyr87Cys; replaces tyrosine 87 with cysteine.
Molecular consequence: missense variant.
Genome position (GRCh38, 1-based): chr7:44,258,887, T>C on the plus strand (A>G on the coding strand, the complement: CAMK2B is on the minus strand). VCF-style: chr7-44258887-T-C. GRCh37 (hg19) VCF-style: chr7-44298486-T-C.
Other names: c.260A>G, p.Tyr87Cys (NM_001293170.2, NM_172078.3, NM_172079.3 and 5 more transcripts); short protein forms Y87C.
Identifiers: ClinVar variation 2571737 (VCV002571737.3), dbSNP rs2486750668, ClinGen allele CA367371902.
Genomic context (GRCh38, chr7:44,258,887, plus strand): 5'-AGGCTGGGAGTGAGTGCAGCGAGAGTCCCCAGCTCTGGAACTTACAGATCGAAGACCAGG[T>C]AGTGGAAGCCCTCCTCGGAGATGCTGTCGTGGAGACGCACTGTGGGGACAGAGAAGCCAT-3'
Protein context (NP_001211.3, residues 77-97): HDSISEEGFH[Tyr87Cys]LVFDLVTGGE

ClinVar aggregate classification (germline): Uncertain significance. Review status: criteria provided, multiple submitters, no conflicts (2 of 4 stars). 2 submissions from 2 submitters: Uncertain significance (2). Last evaluated 2025-11-27.

Submissions (2):

Labcorp Genetics (formerly Invitae), Labcorp
Classification: Uncertain significance. Last evaluated: 2025-11-27. Review status: criteria provided, single submitter. Criteria: Invitae Variant Classification Sherloc (09022015). Collection method: clinical testing. Allele origin: germline.
Comment: This sequence change replaces tyrosine, which is neutral and polar, with cysteine, which is neutral and slightly polar, at codon 87 of the CAMK2B protein (p.Tyr87Cys). This variant is not present in population databases (gnomAD no frequency). This variant has not been reported in the literature in individuals affected with CAMK2B-related conditions. ClinVar contains an entry for this variant (Variation ID: 2571737). An algorithm developed to predict the effect of missense changes on protein structure and function (PolyPhen-2) suggests that this variant is likely to be disruptive. In summary, the available evidence is currently insufficient to determine the role of this variant in disease. Therefore, it has been classified as a Variant of Uncertain Significance.

GeneDx
Classification: Uncertain significance. Last evaluated: 2023-01-10. Review status: criteria provided, single submitter. Criteria: GeneDx Variant Classification Process June 2021. Collection method: clinical testing. Allele origin: germline. Affected: yes.
Comment: Not observed at significant frequency in large population cohorts (gnomAD); In silico analysis supports that this missense variant has a deleterious effect on protein structure/function; Has not been previously published as pathogenic or benign to our knowledge